The following is an entry in ClinVar:

NM_001077350.3(NPRL3):c.1184_1188del (p.Val395fs)

Genes: HBA-LCR (alpha-globin locus control region; plus strand), NPRL3 (NPR3 like, GATOR1 complex subunit; minus strand). Cytogenetic location: 16p13.3.
Variant type: Deletion.
Coding change: c.1184_1188del on transcript NM_001077350.3 (MANE Select); coding-DNA positions 1184 to 1188, 5 bases deleted (TGTGG; older notation c.1184_1188delTGTGG).
Protein change: p.Val395fs; shifts the reading frame from valine 395.
Molecular consequence: frameshift variant.
Genome position (GRCh38, 1-based): chr16:89,876-89,880, CCACA deleted on the plus strand (TGTGG on the coding strand, the reverse complement: NPRL3 is on the minus strand); deleting any 5 consecutive bases within chr16:89,876-89,884 gives the same sequence; the c. name uses the placement nearest the transcript's 3' end. VCF-style (leftmost placement, unchanged base first): chr16-89875-TCCACA-T. GRCh37 (hg19) VCF-style: chr16-139873-TCCACA-T.
Other names: c.647_651del, p.Val216fs (NM_001039476.3); c.950_954del, p.Val317fs (NM_001243247.2); c.1109_1113del, p.Val370fs (NM_001243248.2, NM_001243249.2); short protein forms V395fs, V216fs, V317fs, V370fs.
Identifiers: ClinVar variation 1878416 (VCV001878416.3), dbSNP rs2542804643, ClinGen allele CA2580092053.
Genomic context (GRCh38, chr16:89,875, plus strand): 5'-TGGGTGAGGCCATCAGGCAGACATAGGTGTGCAGCTGGATGAGAAGCCGGCGCTGCAGCA[TCCACA>T]CCACCATCTGGATGAGCTGGGTCTGCGGGTGGCAGCAGGTGAGGCTGGTCCCCCTCCCCA-3'

ClinVar aggregate classification (germline): Pathogenic/Likely pathogenic. Review status: criteria provided, multiple submitters, no conflicts (2 of 4 stars). 2 submissions from 2 submitters: Pathogenic (1); Likely pathogenic (1). Last evaluated 2025-09-08.

Conditions:
Epilepsy, familial focal, with variable foci 3 (FFEVF3). Identifiers: MedGen C4310708, MONDO:0014925, OMIM 617118.

Submissions (2):

Labcorp Genetics (formerly Invitae), Labcorp
Classification: Pathogenic for Epilepsy, familial focal, with variable foci 3. Last evaluated: 2025-09-08. Review status: criteria provided, single submitter. Criteria: Invitae Variant Classification Sherloc (09022015). Collection method: clinical testing. Allele origin: germline.
Comment: This sequence change creates a premature translational stop signal (p.Val395Aspfs*59) in the NPRL3 gene. It is expected to result in an absent or disrupted protein product. Loss-of-function variants in NPRL3 are known to be pathogenic (PMID: 26285051, 26505888). This variant is not present in population databases (gnomAD no frequency). This variant has not been reported in the literature in individuals affected with NPRL3-related conditions. ClinVar contains an entry for this variant (Variation ID: 1878416). For these reasons, this variant has been classified as Pathogenic.

Women's Health and Genetics/Laboratory Corporation of America, LabCorp
Classification: Likely pathogenic for Epilepsy, familial focal, with variable foci 3. Last evaluated: 2022-12-30. Review status: criteria provided, single submitter. Criteria: LabCorp Variant Classification Summary - May 2015. Collection method: clinical testing. Allele origin: germline.
Comment: Variant summary: C16orf35 c.1184_1188delTGTGG (p.Val395AspfsX59) results in a premature termination codon, predicted to cause a truncation of the encoded protein or absence of the protein due to nonsense mediated decay, which are commonly known mechanisms for disease. The variant was absent in 151564 control chromosomes (gnomAD). To our knowledge, no occurrence of c.1184_1188delTGTGG in individuals affected with Familial Focal Epilepsy and no experimental evidence demonstrating its impact on protein function have been reported. No clinical diagnostic laboratories have submitted clinical-significance assessments for this variant to ClinVar after 2014. Based on the evidence outlined above, the variant was classified as likely pathogenic.

Literature cited by the submitters: PubMed 26285051 (cited by Labcorp Genetics (formerly Invitae), Labcorp); PubMed 26505888 (cited by Labcorp Genetics (formerly Invitae), Labcorp).